The following is an entry in ClinVar:

ClinVar aggregate classification (germline): Likely benign. Review status: criteria provided, multiple submitters, no conflicts (2 of 4 stars). 4 submissions from 4 submitters: Likely benign (4). Last evaluated 2026-02-15.

Conditions:
HYPERHOMOCYSTEINEMIA, THROMBOTIC, CBS-RELATED. Identifiers: MedGen C3150344, OMIM 236200.
Familial thoracic aortic aneurysm and aortic dissection (TAAD). Also called: Thoracic aortic aneurysms and dissections. Identifiers: Orphanet 91387, MedGen C4707243, MONDO:0019625.

Allele frequency attached by ClinVar (database versions not stated): gnomAD exomes below 0.00001; gnomAD 0.00001.
gnomAD v4.1: 5 of 1,347,230 alleles (0.00037%); highest among the groups gnomAD compares: Non-Finnish European, 0.0005%; 1 homozygote.

Submissions (4):

Ambry Genetics
Classification: Likely benign for Familial thoracic aortic aneurysm and aortic dissection. Last evaluated: 2026-02-15. Review status: criteria provided, single submitter. Criteria: Ambry Variant Classification Scheme 2023. Collection method: clinical testing. Allele origin: germline.

Labcorp Genetics (formerly Invitae), Labcorp
Classification: Likely benign for HYPERHOMOCYSTEINEMIA, THROMBOTIC, CBS-RELATED. Last evaluated: 2024-03-17. Review status: criteria provided, single submitter. Criteria: Invitae Variant Classification Sherloc (09022015). Collection method: clinical testing. Allele origin: germline.

Women's Health and Genetics/Laboratory Corporation of America, LabCorp
Classification: Likely benign. Last evaluated: 2024-02-04. Review status: criteria provided, single submitter. Criteria: LabCorp Variant Classification Summary - May 2015. Collection method: clinical testing. Allele origin: germline.

GeneDx
Classification: Likely benign. Last evaluated: 2017-01-26. Review status: criteria provided, single submitter. Criteria: GeneDx Variant Classification (06012015). Collection method: clinical testing. Allele origin: germline. Affected: yes.
Comment: This variant is considered likely benign or benign based on one or more of the following criteria: it is a conservative change, it occurs at a poorly conserved position in the protein, it is predicted to be benign by multiple in silico algorithms, and/or has population frequency not consistent with disease.

NM_000071.3(CBS):c.447C>T (p.Asn149=)

Gene: CBS (cystathionine beta-synthase; minus strand). Cytogenetic location: 21q22.3.
Variant type: single nucleotide variant.
Coding change: c.447C>T on transcript NM_000071.3 (MANE Select); coding-DNA position 447, C replaced by T.
Protein change: p.Asn149=; no amino-acid change (asparagine 149 retained).
Molecular consequence: synonymous variant.
Genome position (GRCh38, 1-based): chr21:43,066,247, G>A on the plus strand (C>T on the coding strand, the complement: CBS is on the minus strand). VCF-style: chr21-43066247-G-A. GRCh37 (hg19) VCF-style: chr21-44486357-G-A.
Other names: c.447C>T, p.Asn149= (NM_001178008.3, NM_001178009.3, NM_001320298.2); c.132C>T, p.Asn44= (NM_001321072.1).
Identifiers: ClinVar variation 506986 (VCV000506986.10), dbSNP rs1457546374, ClinGen allele CA658799453.
Genomic context (GRCh38, chr21:43,066,247, plus strand): 5'-TCGGCATGGGTAGGGGACAGCCAGCCCTGGCCACCCCCTCTGGGCCTGGCACCCACCGGT[G>A]TTCCCGGATGTCGGCTCGATAATCGTGTCCCCGGGCTTCAGCGTCCCGTCGCGCTCAGCA-3'
Protein context (NP_000062.1, residues 139-159): GDTIIEPTSG[Asn149=]TGIGLALAAA